The following is an entry in ClinVar:

ClinVar aggregate classification (germline): Uncertain significance. Review status: criteria provided, multiple submitters, no conflicts (2 of 4 stars). 4 submissions from 4 submitters: Uncertain significance (4). Last evaluated 2025-07-14.

Conditions:
Hereditary sensory and autonomic neuropathy type 1 (HSAN1). Also called: HSAN 1; HSN Type I; Hereditary Sensory Neuropathy Type I. Identifiers: Orphanet 36386, MedGen C0020071, MONDO:0018213.
Charcot-Marie-Tooth disease. Also called: Charcot-Marie-Tooth Neuropathy; Charcot-Marie-Tooth Hereditary Neuropathy. Identifiers: Orphanet 166, MedGen C0007959, MONDO:0015626.
Inborn genetic diseases. Identifiers: MedGen C0950123, MeSH D030342.

Allele frequency attached by ClinVar (database versions not stated): gnomAD exomes 0.00002 and 0.00003; TOPMed 0.00002; 1000 Genomes Project 0.00020; 1000 Genomes Project 30x 0.00016; gnomAD 0.00001 and 0.00002; ExAC 0.00002; ESP Exome Variant Server 0.00015.
gnomAD v4.1: 18 of 1,614,194 alleles (0.0011%); highest among the groups gnomAD compares: Admixed American, 0.0033%; no homozygotes.

Submissions (4):

Labcorp Genetics (formerly Invitae), Labcorp
Classification: Uncertain significance for Hereditary sensory and autonomic neuropathy type 1. Last evaluated: 2025-07-14. Review status: criteria provided, single submitter. Criteria: Invitae Variant Classification Sherloc (09022015). Collection method: clinical testing. Allele origin: germline.
Comment: This sequence change replaces serine, which is neutral and polar, with tyrosine, which is neutral and polar, at codon 462 of the SPTLC1 protein (p.Ser462Tyr). This variant is present in population databases (rs150792865, gnomAD 0.007%). This variant has not been reported in the literature in individuals affected with SPTLC1-related conditions. ClinVar contains an entry for this variant (Variation ID: 582614). Invitae Evidence Modeling of protein sequence and biophysical properties (such as structural, functional, and spatial information, amino acid conservation, physicochemical variation, residue mobility, and thermodynamic stability) indicates that this missense variant is not expected to disrupt SPTLC1 protein function with a negative predictive value of 80%. In summary, the available evidence is currently insufficient to determine the role of this variant in disease. Therefore, it has been classified as a Variant of Uncertain Significance.

Ambry Genetics
Classification: Uncertain significance for Inborn genetic diseases. Last evaluated: 2021-01-05. Review status: criteria provided, single submitter. Criteria: Ambry Variant Classification Scheme 2023. Collection method: clinical testing. Allele origin: germline.
Comment: The p.S462Y variant (also known as c.1385C>A), located in coding exon 15 of the SPTLC1 gene, results from a C to A substitution at nucleotide position 1385. The serine at codon 462 is replaced by tyrosine, an amino acid with dissimilar properties. This amino acid position is not well conserved in available vertebrate species. In addition, this alteration is predicted to be tolerated by in silico analysis. Since supporting evidence is limited at this time, the clinical significance of this alteration remains unclear.

Mayo Clinic Laboratories, Mayo Clinic
Classification: Uncertain significance. Last evaluated: 2019-09-08. Review status: criteria provided, single submitter. Criteria: ACMG Guidelines, 2015. Collection method: clinical testing. Allele origin: germline. Observed: 1 variant allele.

Molecular Genetics Laboratory, London Health Sciences Centre
Classification: Uncertain significance for Charcot-Marie-Tooth disease. Review status: criteria provided, single submitter. Criteria: ACMG Guidelines, 2015. Collection method: clinical testing. Allele origin: germline. Affected: yes.

NM_006415.4(SPTLC1):c.1385C>A (p.Ser462Tyr)

Gene: SPTLC1 (serine palmitoyltransferase long chain base subunit 1; minus strand). Cytogenetic location: 9q22.31.
Variant type: single nucleotide variant.
Coding change: c.1385C>A on transcript NM_006415.4 (MANE Select); coding-DNA position 1385, C replaced by A.
Protein change: p.Ser462Tyr; replaces serine 462 with tyrosine.
Molecular consequence: missense variant. On other transcripts: synonymous variant (1).
Genome position (GRCh38, 1-based): chr9:92,032,502, G>T on the plus strand (C>A on the coding strand, the complement: SPTLC1 is on the minus strand). VCF-style: chr9-92032502-G-T. GRCh37 (hg19) VCF-style: chr9-94794784-G-T.
Other names: c.1353C>A, p.Val451= (NM_001281303.2); c.1019C>A, p.Ser340Tyr (NM_001368272.1); c.920C>A, p.Ser307Tyr (NM_001368273.1); short protein forms S462Y, S307Y, S340Y.
Identifiers: ClinVar variation 582614 (VCV000582614.16), dbSNP rs150792865, ClinGen allele CA5121191.